The following is an entry in ClinVar:

NM_002439.5(MSH3):c.1417A>G (p.Thr473Ala)

Gene: MSH3 (mutS homolog 3; plus strand). Cytogenetic location: 5q14.1.
Variant type: single nucleotide variant.
Coding change: c.1417A>G on transcript NM_002439.5 (MANE Select); coding-DNA position 1417, A replaced by G.
Protein change: p.Thr473Ala; replaces threonine 473 with alanine.
Molecular consequence: missense variant.
Genome position (GRCh38, 1-based): chr5:80,725,529, A>G. VCF-style: chr5-80725529-A-G. GRCh37 (hg19) VCF-style: chr5-80021348-A-G.
Other names: c.1417A>G (NM_002439.3); short protein forms T473A.
Identifiers: ClinVar variation 840569 (VCV000840569.10), dbSNP rs754194859, ClinGen allele CA3327899.

ClinVar aggregate classification (germline): Uncertain significance. Review status: criteria provided, multiple submitters, no conflicts (2 of 4 stars). 2 submissions from 2 submitters: Uncertain significance (2). Last evaluated 2024-05-13.

Conditions:
Hereditary cancer-predisposing syndrome. Also called: Neoplastic Syndromes, Hereditary; Tumor predisposition; Hereditary neoplastic syndrome; Hereditary Cancer Syndrome. Identifiers: Orphanet 140162, MedGen C0027672, MeSH D009386, MONDO:0015356.

Allele frequency attached by ClinVar (database versions not stated): gnomAD exomes below 0.00001; ExAC 0.00001.
gnomAD v4.1: 1 of 1,613,946 alleles (0.000062%); highest among the groups gnomAD compares: Non-Finnish European, 0.000085%; no homozygotes.

Submissions (2):

Labcorp Genetics (formerly Invitae), Labcorp
Classification: Uncertain significance. Last evaluated: 2024-05-13. Review status: criteria provided, single submitter. Criteria: Invitae Variant Classification Sherloc (09022015). Collection method: clinical testing. Allele origin: germline.
Comment: This sequence change replaces threonine, which is neutral and polar, with alanine, which is neutral and non-polar, at codon 473 of the MSH3 protein (p.Thr473Ala). This variant is present in population databases (rs754194859, gnomAD 0.0009%). This variant has not been reported in the literature in individuals affected with MSH3-related conditions. ClinVar contains an entry for this variant (Variation ID: 840569). An algorithm developed to predict the effect of missense changes on protein structure and function (PolyPhen-2) suggests that this variant is likely to be tolerated. In summary, the available evidence is currently insufficient to determine the role of this variant in disease. Therefore, it has been classified as a Variant of Uncertain Significance.

Ambry Genetics
Classification: Uncertain significance for Hereditary cancer-predisposing syndrome. Last evaluated: 2023-09-15. Review status: criteria provided, single submitter. Criteria: Ambry Variant Classification Scheme 2023. Collection method: clinical testing. Allele origin: germline.
Comment: The p.T473A variant (also known as c.1417A>G), located in coding exon 9 of the MSH3 gene, results from an A to G substitution at nucleotide position 1417. The threonine at codon 473 is replaced by alanine, an amino acid with similar properties. This amino acid position is conserved. In addition, this alteration is predicted to be tolerated by in silico analysis. Since supporting evidence is limited at this time, the clinical significance of this alteration remains unclear.